The following is an entry in ClinVar:

NM_002430.3(MN1):c.113C>A (p.Ala38Asp)

Gene: MN1 (MN1 proto-oncogene, transcriptional regulator; minus strand). Cytogenetic location: 22q12.1.
Variant type: single nucleotide variant.
Coding change: c.113C>A on transcript NM_002430.3 (MANE Select); coding-DNA position 113, C replaced by A.
Protein change: p.Ala38Asp; replaces alanine 38 with aspartic acid.
Molecular consequence: missense variant.
Genome position (GRCh38, 1-based): chr22:27,800,431, G>T on the plus strand (C>A on the coding strand, the complement: MN1 is on the minus strand). VCF-style: chr22-27800431-G-T. GRCh37 (hg19) VCF-style: chr22-28196419-G-T.
Other names: short protein forms A38D.
Identifiers: ClinVar variation 981070 (VCV000981070.2), dbSNP rs1933412795, ClinGen allele CA411051985.

ClinVar aggregate classification (germline): Uncertain significance. Review status: criteria provided, multiple submitters, no conflicts (2 of 4 stars). 2 submissions from 2 submitters: Uncertain significance (2). Last evaluated 2025-07-23.

Submissions (2):

GeneDx
Classification: Uncertain significance. Last evaluated: 2025-07-23. Review status: criteria provided, single submitter. Criteria: GeneDx Variant Classification Process June 2021. Collection method: clinical testing. Allele origin: germline. Affected: yes.
Comment: Not observed at significant frequency in large population cohorts (gnomAD); In silico analysis supports that this missense variant has a deleterious effect on protein structure/function; Has not been previously published as pathogenic or benign to our knowledge

Women's Health and Genetics/Laboratory Corporation of America, LabCorp
Classification: Uncertain significance. Last evaluated: 2020-09-21. Review status: criteria provided, single submitter. Criteria: LabCorp Variant Classification Summary - May 2015. Collection method: clinical testing. Allele origin: germline.
Comment: Variant summary: MN1 c.113C>A (p.Ala38Asp) results in a non-conservative amino acid change in the encoded protein sequence. Three of five in-silico tools predict a damaging effect of the variant on protein function. The variant was absent in 249324 control chromosomes. The available data on variant occurrences in the general population are insufficient to allow any conclusion about variant significance. To our knowledge, no occurrence of c.113C>A in individuals affected with CEBALID Syndrome and no experimental evidence demonstrating its impact on protein function have been reported. No clinical diagnostic laboratories have submitted clinical-significance assessments for this variant to ClinVar after 2014. Based on the evidence outlined above, the variant was classified as uncertain significance.